The following is an entry in ClinVar:

ClinVar aggregate classification (germline): Uncertain significance. Review status: criteria provided, multiple submitters, no conflicts (2 of 4 stars). 2 submissions from 2 submitters: Uncertain significance (2). Last evaluated 2025-04-07.

Conditions:
Inborn genetic diseases. Identifiers: MedGen C0950123, MeSH D030342.
Autosomal recessive limb-girdle muscular dystrophy type 2O. Also called: Limb-Girdle Muscular Dystrophy Type 3C; MUSCULAR DYSTROPHY-DYSTROGLYCANOPATHY (LIMB-GIRDLE), TYPE C, 3; MUSCULAR DYSTROPHY-DYSTROGLYCANOPATHY, LIMB-GIRDLE, POMGNT1-RELATED. Identifiers: Orphanet 206564, MedGen C3150417, MONDO:0013161, OMIM 613157.
Muscular dystrophy-dystroglycanopathy (congenital with impaired intellectual development), type B, 3. Also called: Muscular dystrophy-dystroglycanopathy (congenital with intellectual disability), type B3; MUSCULAR DYSTROPHY, CONGENITAL, POMGNT1-RELATED. Identifiers: MedGen C3150412, MONDO:0013155, OMIM 613151.

Allele frequency attached by ClinVar (database versions not stated): gnomAD exomes below 0.00001; gnomAD 0.00001; TOPMed 0.00001.
gnomAD v4.1: 6 of 1,613,504 alleles (0.00037%); highest among the groups gnomAD compares: Middle Eastern, 0.049%; no homozygotes.

Submissions (2):

Ambry Genetics
Classification: Uncertain significance for Inborn genetic diseases. Last evaluated: 2025-04-07. Review status: criteria provided, single submitter. Criteria: Ambry Variant Classification Scheme 2023. Collection method: clinical testing. Allele origin: germline.

Labcorp Genetics (formerly Invitae), Labcorp
Classification: Uncertain significance for Autosomal recessive limb-girdle muscular dystrophy type 2O; Muscular dystrophy-dystroglycanopathy (congenital with impaired intellectual development), type B, 3. Last evaluated: 2021-09-24. Review status: criteria provided, single submitter. Criteria: Invitae Variant Classification Sherloc (09022015). Collection method: clinical testing. Allele origin: germline.
Comment: This sequence change replaces proline with serine at codon 630 of the POMGNT1 protein (p.Pro630Ser). The proline residue is weakly conserved and there is a moderate physicochemical difference between proline and serine. This variant is not present in population databases (ExAC no frequency). This variant has not been reported in the literature in individuals affected with POMGNT1-related conditions. Advanced modeling of protein sequence and biophysical properties (such as structural, functional, and spatial information, amino acid conservation, physicochemical variation, residue mobility, and thermodynamic stability) performed at Invitae indicates that this missense variant is not expected to disrupt POMGNT1 protein function. In summary, the available evidence is currently insufficient to determine the role of this variant in disease. Therefore, it has been classified as a Variant of Uncertain Significance.

NM_017739.4(POMGNT1):c.1888C>T (p.Pro630Ser)

Genes: POMGNT1 (protein O-linked mannose N-acetylglucosaminyltransferase 1 (beta 1,2-); minus strand), TSPAN1 (tetraspanin 1; plus strand). Cytogenetic location: 1p34.1.
Variant type: single nucleotide variant.
Coding change: c.1888C>T on transcript NM_017739.4 (MANE Select); coding-DNA position 1888, C replaced by T.
Protein change: p.Pro630Ser; replaces proline 630 with serine.
Molecular consequence: missense variant. On other transcripts: intron variant (1).
Genome position (GRCh38, 1-based): chr1:46,189,465, G>A on the plus strand (C>T on the coding strand, the complement: POMGNT1 is on the minus strand). VCF-style: chr1-46189465-G-A. GRCh37 (hg19) VCF-style: chr1-46655137-G-A.
Other names: c.1822C>T, p.Pro608Ser (NM_001290129.3); c.1459C>T, p.Pro487Ser (NM_001290130.2); c.1888C>T, p.Pro630Ser (NM_001410783.1); c.1869+19C>T (NM_001243766.2); short protein forms P487S, P608S, P630S.
Identifiers: ClinVar variation 2199024 (VCV002199024.2), dbSNP rs1203309638, ClinGen allele CA340170685.